The following is an entry in ClinVar:

ClinVar aggregate classification (germline): Uncertain significance (1 of 4 stars; one submission).

Conditions:
Brugada syndrome 8 (BRGDA8). Identifiers: Orphanet 130, MedGen C2751083, MONDO:0013148, OMIM 613123.

Submission:

Labcorp Genetics (formerly Invitae), Labcorp
Classification: Uncertain significance for Brugada syndrome 8. Last evaluated: 2025-11-12. Review status: criteria provided, single submitter. Criteria: Invitae Variant Classification Sherloc (09022015). Collection method: clinical testing. Allele origin: germline.
Comment: This sequence change creates a premature translational stop signal (p.Gln464Hisfs*122) in the HCN4 gene. It is expected to result in an absent or disrupted protein product. However, the current clinical and genetic evidence is not sufficient to establish whether loss-of-function variants in HCN4 cause disease. This variant is not present in population databases (gnomAD no frequency). This variant has not been reported in the literature in individuals affected with HCN4-related conditions. In summary, the available evidence is currently insufficient to determine the role of this variant in disease. Therefore, it has been classified as a Variant of Uncertain Significance.

NM_005477.3(HCN4):c.1391_1392insT (p.Gln464fs)

Gene: HCN4 (hyperpolarization activated cyclic nucleotide gated potassium channel 4; minus strand). Cytogenetic location: 15q24.1.
Variant type: Insertion.
Coding change: c.1391_1392insT on transcript NM_005477.3 (MANE Select); coding-DNA positions 1391 to 1392, T inserted.
Protein change: p.Gln464fs; shifts the reading frame from glutamine 464.
Molecular consequence: frameshift variant.
Genome position: GRCh38 VCF-style: chr15-73329771-C-CA. GRCh37 (hg19) VCF-style: chr15-73622112-C-CA.
Other names: short protein forms Q464fs.
Identifiers: ClinVar variation 4731088 (VCV004731088.1).